The following is an entry in ClinVar:

ClinVar aggregate classification (germline): Likely benign. Review status: criteria provided, multiple submitters, no conflicts (2 of 4 stars). 5 submissions from 5 submitters: Likely benign (4). 1 of the submissions does not count toward it. Last evaluated 2025-07-31.

Conditions:
GRXCR2-related disorder. Also called: GRXCR2-related condition.

Allele frequency attached by ClinVar (database versions not stated): gnomAD 0.00021 and 0.00022; gnomAD exomes 0.00022 and 0.00024; TOPMed 0.00026; ExAC 0.00028; ESP Exome Variant Server 0.00038.
gnomAD v4.1: 370 of 1,613,924 alleles (0.023%); highest among the groups gnomAD compares: Middle Eastern, 0.81%; 1 homozygote.

Submissions (5):

Labcorp Genetics (formerly Invitae), Labcorp
Classification: Likely benign. Last evaluated: 2025-07-31. Review status: criteria provided, single submitter. Criteria: Invitae Variant Classification Sherloc (09022015). Collection method: clinical testing. Allele origin: germline.

Blueprint Genetics
Classification: Likely benign. Last evaluated: 2024-11-25. Review status: criteria provided, single submitter. Criteria: ACMG Guidelines, 2015. Collection method: clinical testing. Allele origin: germline.

CeGaT Center for Human Genetics Tuebingen
Classification: Likely benign. Last evaluated: 2024-09-01. Review status: criteria provided, single submitter. Criteria: CeGaT Center For Human Genetics Tuebingen Variant Classification Criteria Version 2. Collection method: clinical testing. Allele origin: germline. Affected: yes. Observed: 1 variant allele.
Comment: GRXCR2: BP4, BP7

Breakthrough Genomics
Classification: Likely benign. Review status: criteria provided, single submitter. Criteria: ACMG Guidelines, 2015. Collection method: not provided. Allele origin: germline. Inheritance: Autosomal recessive inheritance. Affected: yes.

PreventionGenetics, part of Exact Sciences
Classification: Likely benign for GRXCR2-related condition. Last evaluated: 2019-11-14. Review status: no assertion criteria provided. Collection method: clinical testing. Allele origin: germline. Not counted in ClinVar's aggregate classification.
Comment: This variant is classified as likely benign based on ACMG/AMP sequence variant interpretation guidelines (Richards et al. 2015 PMID: 25741868, with internal and published modifications).

NM_001080516.2(GRXCR2):c.36T>C (p.Ser12=)

Gene: GRXCR2 (glutaredoxin and cysteine rich domain containing 2; minus strand). Cytogenetic location: 5q32.
Variant type: single nucleotide variant.
Coding change: c.36T>C on transcript NM_001080516.2 (MANE Select); coding-DNA position 36, T replaced by C.
Protein change: p.Ser12=; no amino-acid change (serine 12 retained).
Molecular consequence: synonymous variant.
Genome position (GRCh38, 1-based): chr5:145,872,933, A>G on the plus strand (T>C on the coding strand, the complement: GRXCR2 is on the minus strand). VCF-style: chr5-145872933-A-G. GRCh37 (hg19) VCF-style: chr5-145252496-A-G.
Other names: c.36T>C (NM_001080516.1).
Identifiers: ClinVar variation 1590909 (VCV001590909.25), dbSNP rs148032782, ClinGen allele CA3488129.